The following is an entry in ClinVar:

ClinVar aggregate classification (germline): Uncertain significance (1 of 4 stars; one submission).

Conditions:
Hereditary sensory and autonomic neuropathy type 6. Also called: Neuropathy, hereditary sensory and autonomic, type VI; HSAN VI. Identifiers: Orphanet 314381, MedGen C3539003, MONDO:0013839, OMIM 614653.
Epidermolysis bullosa simplex 3, localized or generalized intermediate, with BP230 deficiency (EBS3). Also called: Epidermolysis bullosa simplex, autosomal recessive 2; Epidermolysis bullosa simplex due to BP230 deficiency. Identifiers: Orphanet 412181, MedGen C3809470, MONDO:0014180, OMIM 615425.

Allele frequency attached by ClinVar (database versions not stated): gnomAD 0.00001; gnomAD exomes 0.00001 and 0.00002; TOPMed 0.00001.
gnomAD v4.1: 6 of 1,613,736 alleles (0.00037%); highest among the groups gnomAD compares: Admixed American, 0.01%; no homozygotes.

Submission:

Labcorp Genetics (formerly Invitae), Labcorp
Classification: Uncertain significance for Epidermolysis bullosa simplex 3, localized or generalized intermediate, with BP230 deficiency; Hereditary sensory and autonomic neuropathy type 6. Last evaluated: 2025-08-18. Review status: criteria provided, single submitter. Criteria: Invitae Variant Classification Sherloc (09022015). Collection method: clinical testing. Allele origin: germline.
Comment: The DST gene has multiple clinically relevant transcripts. This variant occurs in alternate transcript NM_015548.4, and corresponds to NM_001723.5:c.*89118G>A in the primary transcript. This sequence change replaces valine, which is neutral and non-polar, with methionine, which is neutral and non-polar, at codon 3408 of the DST protein (p.Val3408Met). This variant is present in population databases (no rsID available, gnomAD 0.01%). This variant has not been reported in the literature in individuals affected with DST-related conditions. In summary, the available evidence is currently insufficient to determine the role of this variant in disease. Therefore, it has been classified as a Variant of Uncertain Significance.

NM_001374736.1(DST):c.18091G>A (p.Val6031Met)

Gene: DST (dystonin; minus strand). Cytogenetic location: 6p12.1.
Variant type: single nucleotide variant.
Coding change: c.18091G>A on transcript NM_001374736.1 (MANE Select); coding-DNA position 18091, G replaced by A.
Protein change: p.Val6031Met; replaces valine 6031 with methionine.
Molecular consequence: missense variant.
Genome position (GRCh38, 1-based): chr6:56,526,399, C>T on the plus strand (G>A on the coding strand, the complement: DST is on the minus strand). VCF-style: chr6-56526399-C-T. GRCh37 (hg19) VCF-style: chr6-56391197-C-T.
Other names: c.11734G>A, p.Val3912Met (NM_001144769.5); c.11320G>A, p.Val3774Met (NM_001144770.2); c.18091G>A, p.Val6031Met (NM_001374722.1); c.17131G>A, p.Val5711Met (NM_001374729.1); c.10873G>A, p.Val3625Met (NM_001374730.1); c.18118G>A, p.Val6040Met (NM_001374734.1); c.10222G>A, p.Val3408Met (NM_015548.5); c.11200G>A, p.Val3734Met (NM_183380.4); short protein forms V3408M, V3912M, V5711M, V6040M, V3625M, V3734M, V3774M, V6031M.
Identifiers: ClinVar variation 967109 (VCV000967109.10), dbSNP rs1164812960, ClinGen allele CA364505611.